The following is an entry in ClinVar:

ClinVar aggregate classification (germline): Likely pathogenic (1 of 4 stars; one submission).

Submission:

GeneDx
Classification: Likely pathogenic. Last evaluated: 2022-12-01. Review status: criteria provided, single submitter. Criteria: GeneDx Variant Classification Process June 2021. Collection method: clinical testing. Allele origin: germline. Affected: yes.
Comment: Not observed at significant frequency in large population cohorts (gnomAD); In silico analysis supports that this missense variant has a deleterious effect on protein structure/function; This variant is associated with the following publications: (PMID: 30838813, 31825148, 12938084)

NM_000138.5(FBN1):c.4087G>A (p.Asp1363Asn)

Gene: FBN1 (fibrillin 1; minus strand). Cytogenetic location: 15q21.1.
Variant type: single nucleotide variant.
Coding change: c.4087G>A on transcript NM_000138.5 (MANE Select); coding-DNA position 4087, G replaced by A.
Protein change: p.Asp1363Asn; replaces aspartic acid 1363 with asparagine.
Molecular consequence: missense variant.
Genome position (GRCh38, 1-based): chr15:48,474,528, C>T on the plus strand (G>A on the coding strand, the complement: FBN1 is on the minus strand). VCF-style: chr15-48474528-C-T. GRCh37 (hg19) VCF-style: chr15-48766725-C-T.
Other names: c.4087G>A, p.Asp1363Asn (NM_001406716.1); short protein forms D1363N.
Identifiers: ClinVar variation 1802115 (VCV001802115.1), dbSNP rs2505518445, ClinGen allele CA392320397.